The following is an entry in ClinVar:

NM_001375524.1(TRRAP):c.4014+6G>A

Gene: TRRAP (transformation/transcription domain associated protein; plus strand). Cytogenetic location: 7q22.1.
Variant type: single nucleotide variant.
Coding change: c.4014+6G>A on transcript NM_001375524.1 (MANE Select); 6 bases into the intron after coding-DNA position 4014, G replaced by A.
Molecular consequence: intron variant.
Genome position (GRCh38, 1-based): chr7:98,933,408, G>A. VCF-style: chr7-98933408-G-A. GRCh37 (hg19) VCF-style: chr7-98531031-G-A.
Other names: c.4014+6G>A (NM_001244580.2, NM_003496.4).
Identifiers: ClinVar variation 3631912 (VCV003631912.2).
Genomic context (GRCh38, chr7:98,933,408, plus strand): 5'-CAGGCTCTTCACAATGGACCTTAACGTGGTGGAGCATAAGGTGTTCTACACAGAGGTAGG[G>A]GGGTGGTGGTGCGGAGTGGTGTGGATGGTGATGACGTGTGTCTGCTAGCCTGTCTTTGTA-3'

ClinVar aggregate classification (germline): Uncertain significance (1 of 4 stars; one submission).

gnomAD v4.1: 4 of 1,612,102 alleles (0.00025%); highest among the groups gnomAD compares: Non-Finnish European, 0.00034%; no homozygotes.

Submission:

Labcorp Genetics (formerly Invitae), Labcorp
Classification: Uncertain significance. Last evaluated: 2024-02-17. Review status: criteria provided, single submitter. Criteria: Invitae Variant Classification Sherloc (09022015). Collection method: clinical testing. Allele origin: germline.
Comment: This sequence change falls in intron 27 of the TRRAP gene. It does not directly change the encoded amino acid sequence of the TRRAP protein. It affects a nucleotide within the consensus splice site. This variant is present in population databases (no rsID available, gnomAD 0.007%). This variant has not been reported in the literature in individuals affected with TRRAP-related conditions. Variants that disrupt the consensus splice site are a relatively common cause of aberrant splicing (PMID: 17576681, 9536098). Algorithms developed to predict the effect of sequence changes on RNA splicing suggest that this variant is not likely to affect RNA splicing. In summary, the available evidence is currently insufficient to determine the role of this variant in disease. Therefore, it has been classified as a Variant of Uncertain Significance.

Literature cited by the submitters: PubMed 17576681; PubMed 9536098.